The following is an entry in ClinVar:

ClinVar aggregate classification (germline): Conflicting classifications of pathogenicity. Review status: criteria provided, conflicting classifications (1 of 4 stars). 10 submissions from 10 submitters: Pathogenic (2); Likely pathogenic (5); Uncertain significance (3). Last evaluated 2026-08-01.

Conditions:
RPL13-related disorder. Also called: RPL13-related condition.
Spondyloepimetaphyseal dysplasia, Isidor-Toutain type. Identifiers: MedGen C5231478, MONDO:0032885, OMIM 618728.

Submissions (10):

GeneDx
Classification: Likely pathogenic. Last evaluated: 2026-08-01. Review status: criteria provided, single submitter. Criteria: GeneDx Variant Classification Process June 2021. Collection method: clinical testing. Allele origin: germline.
Comment: Not observed at significant frequency in large population cohorts (gnomAD); In silico analysis supports that this missense variant has a deleterious effect on protein structure/function; This variant is associated with the following publications: (PMID: 37121912, 37993442, 40725227)

PreventionGenetics, part of Exact Sciences
Classification: Likely pathogenic for RPL13-related condition. Last evaluated: 2025-03-20. Review status: criteria provided, single submitter. Criteria: ACMG Guidelines, 2015. Collection method: clinical testing. Allele origin: germline.
Comment: The RPL13 c.548G>A variant is predicted to result in the amino acid substitution p.Arg183His. This variant has been reported in a mother and child with spondyloepimetaphyseal dysplasia and was reported to be de novo in the mother (Díaz-González et al. 2023. PubMed ID: 37121912). This variant has not been reported in a large population database (gnomad), indicating this variant is rare. This variant has conflicting interpretations in ClinVar of uncertain and likely pathogenic. Of note, a different missense variant affecting this amino acid (p.Arg183Pro) has been reported in an individual with spondyloepimetaphyseal dysplasia suggesting this amino acid is clinically significant (Le Caignec et al. 2019. PubMed ID: 31630789). This variant is interpreted as likely pathogenic.

Laboratory of Genetics, Children's Clinical University Hospital Latvia
Classification: Pathogenic. Last evaluated: 2025-02-16. Review status: criteria provided, single submitter. Criteria: ACMG Guidelines, 2015. Collection method: clinical testing. Allele origin: germline. Affected: yes.

Revvity Omics, Revvity
Classification: Likely pathogenic for Spondyloepimetaphyseal dysplasia, Isidor-Toutain type. Last evaluated: 2024-12-18. Review status: criteria provided, single submitter. Criteria: ACMG Guidelines, 2015. Collection method: clinical testing. Allele origin: germline.

Labcorp Genetics (formerly Invitae), Labcorp
Classification: Uncertain significance. Last evaluated: 2022-07-26. Review status: criteria provided, single submitter. Criteria: Invitae Variant Classification Sherloc (09022015). Collection method: clinical testing. Allele origin: germline.
Comment: This variant disrupts the p.Arg183 amino acid residue in RPL13. Other variant(s) that disrupt this residue have been determined to be pathogenic (PMID: 31630789). This suggests that this residue is clinically significant, and that variants that disrupt this residue are likely to be disease-causing. In summary, the available evidence is currently insufficient to determine the role of this variant in disease. Therefore, it has been classified as a Variant of Uncertain Significance. Algorithms developed to predict the effect of missense changes on protein structure and function are either unavailable or do not agree on the potential impact of this missense change (SIFT: "Deleterious"; PolyPhen-2: "Benign"; Align-GVGD: "Class C25"). This sequence change replaces arginine, which is basic and polar, with histidine, which is basic and polar, at codon 183 of the RPL13 protein (p.Arg183His). This variant is not present in population databases (gnomAD no frequency). This variant has not been reported in the literature in individuals affected with RPL13-related conditions. ClinVar contains an entry for this variant (Variation ID: 1030926).

Rare Disease Group, Clinical Genetics, Karolinska Institutet
Classification: Likely pathogenic for Spondyloepimetaphyseal dysplasia, Isidor-Toutain type. Last evaluated: 2022-07-25. Review status: criteria provided, single submitter. Criteria: ACMG Guidelines, 2015. Collection method: clinical testing. Allele origin: maternal. Inheritance: Autosomal dominant inheritance. Affected: yes. Observed: 2 variant alleles, 2 heterozygotes.
Comment: The Arg183His variant in RPL13 was absent from large population studies (gnomAD). Another variant affecting the same amino acid residue (p.Arg183Pro) has previously been reported in one individual with SEMDIST (OMIM #618728, Le Caignec et al. 2015). The variant has a accession number in ClinVar (SCV001984874) and classified as likely pathogenic. In summary, the Arg183His meets our criterua to be classified as likely pathogenic.

3billion
Classification: Uncertain significance for Spondyloepimetaphyseal dysplasia, Isidor-Toutain type. Last evaluated: 2022-03-22. Review status: criteria provided, single submitter. Criteria: ACMG Guidelines, 2015. Collection method: clinical testing. Allele origin: germline. Affected: yes. Observed: 1 heterozygote.
Comment: Different missense changes at the same codon have been reported as pathogenic/likely pathogenic with strong evidence (ClinVar ID: VCV000689803,VCV000804147, PMID:31630789). It is not observed in the gnomAD v2.1.1 dataset. Therefore, this variant is classified as uncertain significance according to the recommendation of ACMG/AMP guideline.

Kasturba Medical College, Manipal, Kasturba Medical College, Manipal, Manipal Academy of Higher Education, Manipal, India
Classification: Likely pathogenic for Spondyloepimetaphyseal dysplasia, Isidor-Toutain type. Last evaluated: 2021-05-16. Review status: criteria provided, single submitter. Criteria: ACMG Guidelines, 2015. Collection method: clinical testing. Allele origin: germline. Inheritance: Autosomal dominant inheritance. Affected: yes. Observed: 1 variant allele, 1 heterozygote.
Comment: The variant c.548G>A is present in two individuals in heterozygous state in the gnomAD (v4.1.0) population database (allele frequency: 0.000001250), and present in three similarly affected individuals in heterozygous in our in-house data of 4303 exomes. In-silico analysis tools (REVEL and CADD_phred) predict the variant to be damaging to the RPL13 protein function.

Baylor Genetics
Classification: Uncertain significance for Spondyloepimetaphyseal dysplasia, Isidor-Toutain type. Last evaluated: 2020-09-11. Review status: criteria provided, single submitter. Criteria: ACMG Guidelines, 2015. Collection method: clinical testing. Allele origin: unknown. Affected: yes.
Comment: This variant was determined to be of uncertain significance according to ACMG Guidelines, 2015 [PMID:25741868].

Clinical Biomedical Laboratory, Shriners Hospital For Children - Canada
Classification: Pathogenic for Spondyloepimetaphyseal dysplasia, Isidor-Toutain type. Review status: criteria provided, single submitter. Criteria: ACMG Guidelines, 2015. Collection method: clinical testing. Allele origin: germline. Affected: yes.
Comment: This variant is absent in the Genome Aggregation Database (gnomAD v2.1.1), indicating it is very rare. Computational tools (REVEL: 0.50) suggest that the amino acid change is has an uncertain effect on protein function. Defects in RPL13 are associated with Spondyloepimetaphyseal dysplasia, Isidor-Toutain type, which is in accordance with the clinical diagnosis of the proband. The variant has been reported in the literature in individuals with spondyloepimetaphyseal dysplasia (PMID 37993442, 31630789). Based on the ACMG variant interpretation guidelines (criteria: PM2, PM5, PS4, PM1), the available evidence supports classification of this variant as pathogenic.

Literature cited by the submitters: PubMed 31630789 (cited by 3 submitters); PubMed 37993442 (cited by Kasturba Medical College, Manipal, Kasturba Medical College, Manipal, Manipal Academy of Higher Education, Manipal, India and Clinical Biomedical Laboratory, Shriners Hospital For Children - Canada).

NM_000977.4(RPL13):c.548G>A (p.Arg183His)

Gene: RPL13 (ribosomal protein L13; plus strand). Cytogenetic location: 16q24.3.
Variant type: single nucleotide variant.
Coding change: c.548G>A on transcript NM_000977.4 (MANE Select); coding-DNA position 548, G replaced by A.
Protein change: p.Arg183His; replaces arginine 183 with histidine.
Molecular consequence: missense variant.
Genome position (GRCh38, 1-based): chr16:89,562,954, G>A. VCF-style: chr16-89562954-G-A. GRCh37 (hg19) VCF-style: chr16-89629362-G-A.
Other names: c.407G>A, p.Arg136His (NM_001243131.1); c.548G>A, p.Arg183His (NM_033251.2); short protein forms R183H, R136H.
Identifiers: ClinVar variation 1030926 (VCV001030926.65), dbSNP rs1597676540, ClinGen allele CA397422684.